The following is an entry in ClinVar:

ClinVar aggregate classification (germline): Likely benign. Review status: criteria provided, multiple submitters, no conflicts (2 of 4 stars). 5 submissions from 5 submitters: Likely benign (3). 2 of the submissions do not count toward it. Last evaluated 2025-04-23.

Conditions:
Cardiovascular phenotype. Identifiers: MedGen CN230736.
Dilated cardiomyopathy 1O (CMD1O). Also called: CARDIOMYOPATHY, DILATED, WITH VENTRICULAR TACHYCARDIA. Identifiers: Orphanet 154, MedGen C1837839, MONDO:0012062, OMIM 608569.

Allele frequency attached by ClinVar (database versions not stated): gnomAD exomes 0.00001; ExAC 0.00002; TOPMed 0.00003; gnomAD 0.00007 and 0.00008; ESP Exome Variant Server 0.00008.
gnomAD v4.1: 23 of 1,613,024 alleles (0.0014%); highest among the groups gnomAD compares: African/African-American, 0.0094%; no homozygotes.

Submissions (5):

Labcorp Genetics (formerly Invitae), Labcorp
Classification: Likely benign for Dilated cardiomyopathy 1O. Last evaluated: 2025-04-23. Review status: criteria provided, single submitter. Criteria: Invitae Variant Classification Sherloc (09022015). Collection method: clinical testing. Allele origin: germline.

Ambry Genetics
Classification: Likely benign for Cardiovascular phenotype. Last evaluated: 2021-12-24. Review status: criteria provided, single submitter. Criteria: Ambry Variant Classification Scheme 2023. Collection method: clinical testing. Allele origin: germline.

Laboratory for Molecular Medicine, Mass General Brigham Personalized Medicine
Classification: Likely benign. Last evaluated: 2014-12-29. Review status: criteria provided, single submitter. Criteria: LMM Criteria. Collection method: clinical testing. Allele origin: germline. Observed: 1 variant allele.
Comment: p.His1331His in exon 32 of ABCC9: This variant is not expected to have clinical significance because it does not alter an amino acid residue and is not located within the splice consensus sequence. It has been identified in 2/16626 South As ian chromosomes and 1/67668 European chromosomes by the Exome Aggregation Consor tium (ExAC).

Clinical Genetics DNA and cytogenetics Diagnostics Lab, Erasmus MC, Erasmus Medical Center
Classification: Likely benign. Review status: no assertion criteria provided. Collection method: clinical testing. Allele origin: germline. Affected: yes. Study: VKGL Data-share Consensus. Not counted in ClinVar's aggregate classification.

Clinical Genetics, Academic Medical Center
Classification: Benign. Review status: no assertion criteria provided. Collection method: clinical testing. Allele origin: germline. Affected: yes. Study: VKGL Data-share Consensus. Not counted in ClinVar's aggregate classification.

NM_020297.4(ABCC9):c.3993C>T (p.His1331=)

Genes: ABCC9 (ATP binding cassette subfamily C member 9; minus strand), KCNJ8-AS1 (KCNJ8 antisense RNA 1; plus strand). Cytogenetic location: 12p12.1.
Variant type: single nucleotide variant.
Coding change: c.3993C>T on transcript NM_020297.4 (MANE Select); coding-DNA position 3993, C replaced by T.
Protein change: p.His1331=; no amino-acid change (histidine 1331 retained).
Molecular consequence: synonymous variant.
Genome position (GRCh38, 1-based): chr12:21,815,793, G>A on the plus strand (C>T on the coding strand, the complement: ABCC9 is on the minus strand). VCF-style: chr12-21815793-G-A. GRCh37 (hg19) VCF-style: chr12-21968727-G-A.
Other names: c.3993C>T, p.His1331= (NM_001377273.1, NM_005691.4); c.3126C>T, p.His1042= (NM_001377274.1).
Identifiers: ClinVar variation 227163 (VCV000227163.19), dbSNP rs377704379, ClinGen allele CA6480980.
Genomic context (GRCh38, chr12:21,815,793, plus strand): 5'-TACAACATATCAAATGCAGTGATTTCATACCTTTTGTCCAGGTTTGATGTAAGCCTTGAC[G>A]TGCTTAAGAACAGGTTTCAGATTATTTTCATATCTGACACACAGATCATGTATCTTGATC-3'
Protein context (NP_064693.2, residues 1321-1341): YENNLKPVLK[His1331=]VKAYIKPGQK